The following is an entry in ClinVar:

NM_033380.3(COL4A5):c.2641G>A (p.Gly881Arg)

Gene: COL4A5 (collagen type IV alpha 5 chain; plus strand). Cytogenetic location: Xq22.3.
Variant type: single nucleotide variant.
Coding change: c.2641G>A on transcript NM_033380.3 (MANE Select); coding-DNA position 2641, G replaced by A.
Protein change: p.Gly881Arg; replaces glycine 881 with arginine.
Molecular consequence: missense variant.
Genome position (GRCh38, 1-based): chrX:108,620,390, G>A. VCF-style: chrX-108620390-G-A. GRCh37 (hg19) VCF-style: chrX-107863620-G-A.
Other names: c.2641G>A, p.Gly881Arg (NM_000495.5); short protein forms G881R.
Identifiers: ClinVar variation 2138703 (VCV002138703.4), dbSNP rs2524396708, ClinGen allele CA413851603.

ClinVar aggregate classification (germline): Pathogenic (1 of 4 stars; one submission).

Submission:

Labcorp Genetics (formerly Invitae), Labcorp
Classification: Pathogenic. Last evaluated: 2023-11-27. Review status: criteria provided, single submitter. Criteria: Invitae Variant Classification Sherloc (09022015). Collection method: clinical testing. Allele origin: germline.
Comment: This sequence change replaces glycine, which is neutral and non-polar, with arginine, which is basic and polar, at codon 881 of the COL4A5 protein (p.Gly881Arg). This variant is not present in population databases (gnomAD no frequency). This missense change has been observed in individuals with Alport syndrome (PMID: 25876686; Invitae). ClinVar contains an entry for this variant (Variation ID: 2138703). Advanced modeling of protein sequence and biophysical properties (such as structural, functional, and spatial information, amino acid conservation, physicochemical variation, residue mobility, and thermodynamic stability) performed at Invitae indicates that this missense variant is expected to disrupt COL4A5 protein function with a positive predictive value of 95%. This variant disrupts the triple helix domain of COL4A5. Glycine residues within the Gly-Xaa-Yaa repeats of the triple helix domain are required for the structure and stability of fibrillar collagens (PMID: 7695699, 8218237, 19344236). In COL4A5, missense variants at these glycine residues are significantly enriched in individuals with disease (PMID: 23720012, 27627812) compared to the general population (ExAC). For these reasons, this variant has been classified as Pathogenic.

Literature cited by the submitters: PubMed 25876686; PubMed 7695699; PubMed 8218237; PubMed 19344236; PubMed 23720012; PubMed 27627812.